The following is an entry in ClinVar:

NM_000020.3(ACVRL1):c.124_138del (p.Lys42_Cys46del)

Gene: ACVRL1 (activin A receptor like type 1; plus strand). Cytogenetic location: 12q13.13.
Variant type: Deletion.
Coding change: c.124_138del on transcript NM_000020.3 (MANE Select); coding-DNA positions 124 to 138, 15 bases deleted (AAGGGGCCTACCTGC).
Protein change: p.Lys42_Cys46del.
Molecular consequence: inframe deletion.
Genome position (GRCh38, 1-based): chr12:51,913,161-51,913,175, AAGGGGCCTACCTGC deleted; deleting any 15 consecutive bases within chr12:51,913,158-51,913,175 gives the same sequence; the c. name uses the placement nearest the transcript's 3' end. VCF-style (leftmost placement, unchanged base first): chr12-51913157-TTGCAAGGGGCCTACC-T. GRCh37 (hg19) VCF-style: chr12-52306941-TTGCAAGGGGCCTACC-T.
Other names: c.124_138del, p.Lys42_Cys46del (NM_001077401.2).
Identifiers: ClinVar variation 1379165 (VCV001379165.6), dbSNP rs2139064546, ClinGen allele CA2573148772.
Genomic context (GRCh38, chr12:51,913,157, plus strand): 5'-AGGAGACCCTGTGAAGCCGTCTCGGGGCCCGCTGGTGACCTGCACGTGTGAGAGCCCACA[TTGCAAGGGGCCTACC>T]TGCCGGGGGGCCTGGTGCACAGTAGTGCTGGTGCGGGAGGAGGGGAGGCACCCCCAGGAA-3'

ClinVar aggregate classification (germline): Uncertain significance (1 of 4 stars; one submission).

Conditions:
Telangiectasia, hereditary hemorrhagic, type 2 (HHT2). Also called: ACVRL1-Related Hereditary Hemorrhagic Telangiectasia; Telangiectasia, hereditary hemorrhagic, type II. Identifiers: Orphanet 774, MedGen C1838163, MONDO:0010880, OMIM 600376. Disease mechanism: loss of function.

Submission:

Labcorp Genetics (formerly Invitae), Labcorp
Classification: Uncertain significance for Telangiectasia, hereditary hemorrhagic, type 2. Last evaluated: 2021-09-02. Review status: criteria provided, single submitter. Criteria: Invitae Variant Classification Sherloc (09022015). Collection method: clinical testing. Allele origin: germline.
Comment: In summary, the available evidence is currently insufficient to determine the role of this variant in disease. Therefore, it has been classified as a Variant of Uncertain Significance. Experimental studies and prediction algorithms are not available or were not evaluated, and the functional significance of this variant is currently unknown. This variant has been observed in individual(s) with hereditary hemorrhagic telangiectasia (Invitae). This variant is not present in population databases (ExAC no frequency). This variant, c.124_138del, results in the deletion of 5 amino acid(s) of the ACVRL1 protein (p.Lys42_Cys46del), but otherwise preserves the integrity of the reading frame.